The following is an entry in ClinVar:

ClinVar aggregate classification (germline): Uncertain significance. Review status: criteria provided, multiple submitters, no conflicts (2 of 4 stars). 2 submissions from 2 submitters: Uncertain significance (2). Last evaluated 2024-01-25.

Conditions:
Early-infantile DEE. Also called: Early infantile epileptic encephalopathy; Ohtahara syndrome; Early infantile epileptic encephalopathy with suppression bursts. Identifiers: Orphanet 1934, MedGen C0393706, MONDO:0800491.

Submissions (2):

Labcorp Genetics (formerly Invitae), Labcorp
Classification: Uncertain significance for Early-infantile DEE. Last evaluated: 2024-01-25. Review status: criteria provided, single submitter. Criteria: Invitae Variant Classification Sherloc (09022015). Collection method: clinical testing. Allele origin: germline.
Comment: This sequence change replaces isoleucine, which is neutral and non-polar, with valine, which is neutral and non-polar, at codon 1906 of the SCN1A protein (p.Ile1906Val). This variant is not present in population databases (gnomAD no frequency). This missense change has been observed in individual(s) with clinical features of SCN1A-related conditions (Invitae). ClinVar contains an entry for this variant (Variation ID: 870748). Advanced modeling of protein sequence and biophysical properties (such as structural, functional, and spatial information, amino acid conservation, physicochemical variation, residue mobility, and thermodynamic stability) performed at Invitae indicates that this missense variant is expected to disrupt SCN1A protein function with a positive predictive value of 95%. This variant disrupts the p.Ile1906 amino acid residue in SCN1A. Other variant(s) that disrupt this residue have been observed in individuals with SCN1A-related conditions (PMID: 35074891), which suggests that this may be a clinically significant amino acid residue. In summary, the available evidence is currently insufficient to determine the role of this variant in disease. Therefore, it has been classified as a Variant of Uncertain Significance.

CeGaT Center for Human Genetics Tuebingen
Classification: Uncertain significance. Last evaluated: 2020-05-01. Review status: criteria provided, single submitter. Criteria: CeGaT Center For Human Genetics Tuebingen Variant Classification Criteria Version 2. Collection method: clinical testing. Allele origin: germline. Affected: yes. Observed: 3 variant alleles.

Literature cited by the submitters: PubMed 35074891 (cited by Labcorp Genetics (formerly Invitae), Labcorp).

NM_001165963.4(SCN1A):c.5716A>G (p.Ile1906Val)

Genes: SCN1A (sodium voltage-gated channel alpha subunit 1; minus strand), LOC102724058 (uncharacterized LOC102724058; plus strand). Cytogenetic location: 2q24.3.
Variant type: single nucleotide variant.
Coding change: c.5716A>G on transcript NM_001165963.4 (MANE Select); coding-DNA position 5716, A replaced by G.
Protein change: p.Ile1906Val; replaces isoleucine 1906 with valine.
Molecular consequence: missense variant. On other transcripts: non-coding transcript variant (1).
Genome position (GRCh38, 1-based): chr2:165,991,559, T>C on the plus strand (A>G on the coding strand, the complement: SCN1A is on the minus strand). VCF-style: chr2-165991559-T-C. GRCh37 (hg19) VCF-style: chr2-166848069-T-C.
Other names: c.5632A>G, p.Ile1878Val (NM_001165964.3, NM_001353957.2, NM_001353958.2); c.5716A>G, p.Ile1906Val (NM_001202435.3, NM_001353948.2); c.5683A>G, p.Ile1895Val (NM_001353949.2, NM_001353950.2, NM_001353951.2 and 2 more transcripts); c.5680A>G, p.Ile1894Val (NM_001353954.2, NM_001353955.2); c.5629A>G, p.Ile1877Val (NM_001353960.2); c.3274A>G, p.Ile1092Val (NM_001353961.2); short protein forms I1878V, I1906V, I1092V, I1877V, I1894V, I1895V.
Identifiers: ClinVar variation 870748 (VCV000870748.44), dbSNP rs1689151041, ClinGen allele CA349064537.